The following is an entry in ClinVar:

NM_021076.4(NEFH):c.1391C>G (p.Thr464Ser)

Gene: NEFH (neurofilament heavy chain; plus strand). Cytogenetic location: 22q12.2.
Variant type: single nucleotide variant.
Coding change: c.1391C>G on transcript NM_021076.4 (MANE Select); coding-DNA position 1391, C replaced by G.
Protein change: p.Thr464Ser; replaces threonine 464 with serine.
Molecular consequence: missense variant.
Genome position (GRCh38, 1-based): chr22:29,489,031, C>G. VCF-style: chr22-29489031-C-G. GRCh37 (hg19) VCF-style: chr22-29885020-C-G.
Other names: short protein forms T464S.
Identifiers: ClinVar variation 2862210 (VCV002862210.3), dbSNP rs1284654807, ClinGen allele CA411129730.

ClinVar aggregate classification (germline): Uncertain significance (1 of 4 stars; one submission).

Allele frequency attached by ClinVar (database versions not stated): gnomAD exomes below 0.00001.
gnomAD v4.1: 3 of 1,613,994 alleles (0.00019%); highest among the groups gnomAD compares: Non-Finnish European, 0.00025%; no homozygotes.

Submission:

Labcorp Genetics (formerly Invitae), Labcorp
Classification: Uncertain significance. Last evaluated: 2023-10-27. Review status: criteria provided, single submitter. Criteria: Invitae Variant Classification Sherloc (09022015). Collection method: clinical testing. Allele origin: germline.
Comment: This sequence change replaces threonine, which is neutral and polar, with serine, which is neutral and polar, at codon 464 of the NEFH protein (p.Thr464Ser). This variant is present in population databases (no rsID available, gnomAD 0.0009%). This variant has not been reported in the literature in individuals affected with NEFH-related conditions. Experimental studies and prediction algorithms are not available or were not evaluated, and the functional significance of this variant is currently unknown. In summary, the available evidence is currently insufficient to determine the role of this variant in disease. Therefore, it has been classified as a Variant of Uncertain Significance.